The following is an entry in ClinVar:

NM_004698.4(PRPF3):c.247A>G (p.Ser83Gly)

Gene: PRPF3 (pre-mRNA processing factor 3; plus strand). Cytogenetic location: 1q21.2.
Variant type: single nucleotide variant.
Coding change: c.247A>G on transcript NM_004698.4 (MANE Select); coding-DNA position 247, A replaced by G.
Protein change: p.Ser83Gly; replaces serine 83 with glycine.
Molecular consequence: missense variant. On other transcripts: 5 prime UTR variant (1), non-coding transcript variant (4).
Genome position (GRCh38, 1-based): chr1:150,325,852, A>G. VCF-style: chr1-150325852-A-G. GRCh37 (hg19) VCF-style: chr1-150298310-A-G.
Other names: c.-255A>G (NM_001350529.1); short protein forms S83G.
Identifiers: ClinVar variation 839654 (VCV000839654.10), dbSNP rs199638866, ClinGen allele CA1075398.

ClinVar aggregate classification (germline): Conflicting classifications of pathogenicity. Review status: criteria provided, conflicting classifications (1 of 4 stars). 3 submissions from 3 submitters: Uncertain significance (2); Likely benign (1). Last evaluated 2025-08-17.

Conditions:
Inborn genetic diseases. Identifiers: MedGen C0950123, MeSH D030342.

Allele frequency attached by ClinVar (database versions not stated): gnomAD 0.00003; gnomAD exomes 0.00006 and 0.00009; TOPMed 0.00006; ExAC 0.00007; ESP Exome Variant Server 0.00015.
gnomAD v4.1: 128 of 1,613,542 alleles (0.0079%); highest among the groups gnomAD compares: Non-Finnish European, 0.011%; no homozygotes.

Submissions (3):

Labcorp Genetics (formerly Invitae), Labcorp
Classification: Uncertain significance. Last evaluated: 2025-08-17. Review status: criteria provided, single submitter. Criteria: Invitae Variant Classification Sherloc (09022015). Collection method: clinical testing. Allele origin: germline.
Comment: This sequence change replaces serine, which is neutral and polar, with glycine, which is neutral and non-polar, at codon 83 of the PRPF3 protein (p.Ser83Gly). This variant is present in population databases (rs199638866, gnomAD 0.01%). This missense change has been observed in individual(s) with clinical features of PRPF3-related conditions (internal data). ClinVar contains an entry for this variant (Variation ID: 839654). Invitae Evidence Modeling of protein sequence and biophysical properties (such as structural, functional, and spatial information, amino acid conservation, physicochemical variation, residue mobility, and thermodynamic stability) indicates that this missense variant is not expected to disrupt PRPF3 protein function with a negative predictive value of 95%. In summary, the available evidence is currently insufficient to determine the role of this variant in disease. Therefore, it has been classified as a Variant of Uncertain Significance.

Blueprint Genetics
Classification: Likely benign. Last evaluated: 2024-05-03. Review status: criteria provided, single submitter. Criteria: ACMG Guidelines, 2015. Collection method: clinical testing. Allele origin: germline.

Ambry Genetics
Classification: Uncertain significance for Inborn genetic diseases. Last evaluated: 2022-11-07. Review status: criteria provided, single submitter. Criteria: Ambry Variant Classification Scheme 2023. Collection method: clinical testing. Allele origin: germline.